The following is an entry in ClinVar:

NM_006258.4(PRKG1):c.119A>T (p.Gln40Leu)

Gene: PRKG1 (protein kinase cGMP-dependent 1; plus strand). Cytogenetic location: 10q11.23.
Variant type: single nucleotide variant.
Coding change: c.119A>T on transcript NM_006258.4 (MANE Select); coding-DNA position 119, A replaced by T.
Protein change: p.Gln40Leu; replaces glutamine 40 with leucine.
Molecular consequence: missense variant. On other transcripts: intron variant (1).
Genome position (GRCh38, 1-based): chr10:51,074,709, A>T. VCF-style: chr10-51074709-A-T. GRCh37 (hg19) VCF-style: chr10-52834469-A-T.
Other names: c.119A>T, p.Gln40Leu (NM_001374782.1); c.267-78455A>T (NM_001098512.3); short protein forms Q40L.
Identifiers: ClinVar variation 3225516 (VCV003225516.1), dbSNP rs2493152090, ClinGen allele CA376826837.

ClinVar aggregate classification (germline): Uncertain significance (1 of 4 stars; one submission).

Conditions:
Familial thoracic aortic aneurysm and aortic dissection (TAAD). Also called: Thoracic aortic aneurysms and dissections. Identifiers: Orphanet 91387, MedGen C4707243, MONDO:0019625.

Submission:

Ambry Genetics
Classification: Uncertain significance for Familial thoracic aortic aneurysm and aortic dissection. Last evaluated: 2023-11-01. Review status: criteria provided, single submitter. Criteria: Ambry Variant Classification Scheme 2023. Collection method: clinical testing. Allele origin: germline.
Comment: The p.Q40L variant (also known as c.119A>T), located in coding exon 1 of the PRKG1 gene, results from an A to T substitution at nucleotide position 119. The glutamine at codon 40 is replaced by leucine, an amino acid with dissimilar properties. This amino acid position is conserved. In addition, this alteration is predicted to be tolerated by in silico analysis. Since supporting evidence is limited at this time, the clinical significance of this alteration remains unclear.